The following is an entry in ClinVar:

NM_052865.4(MGME1):c.392C>A (p.Pro131Gln)

Genes: MGME1 (mitochondrial genome maintenance exonuclease 1; plus strand), LOC126862983 (CDK7 strongly-dependent group 2 enhancer GRCh37_chr20:17950167-17951366; plus strand). Cytogenetic location: 20p11.23.
Variant type: single nucleotide variant.
Coding change: c.392C>A on transcript NM_052865.4 (MANE Select); coding-DNA position 392, C replaced by A.
Protein change: p.Pro131Gln; replaces proline 131 with glutamine.
Molecular consequence: missense variant. On other transcripts: intron variant (1).
Genome position (GRCh38, 1-based): chr20:17,970,251, C>A. VCF-style: chr20-17970251-C-A. GRCh37 (hg19) VCF-style: chr20-17950894-C-A.
Other names: c.392C>A, p.Pro131Gln (NM_001310338.2, NM_001310339.2); c.271+121C>A (NM_001363738.2); c.392C>A (NM_052865.2); short protein forms P131Q.
Identifiers: ClinVar variation 1969120 (VCV001969120.3), dbSNP rs779833926, ClinGen allele CA9774924.

ClinVar aggregate classification (germline): Uncertain significance. Review status: criteria provided, multiple submitters, no conflicts (2 of 4 stars). 2 submissions from 2 submitters: Uncertain significance (2). Last evaluated 2023-04-27.

Allele frequency attached by ClinVar (database versions not stated): ExAC 0.00001; gnomAD 0.00001; TOPMed 0.00002.
gnomAD v4.1: 13 of 1,614,098 alleles (0.00081%); highest among the groups gnomAD compares: Admixed American, 0.013%; no homozygotes.

Submissions (2):

GeneDx
Classification: Uncertain significance. Last evaluated: 2023-04-27. Review status: criteria provided, single submitter. Criteria: GeneDx Variant Classification Process June 2021. Collection method: clinical testing. Allele origin: germline. Affected: yes.
Comment: Not observed at significant frequency in large population cohorts (gnomAD); In silico analysis supports that this missense variant has a deleterious effect on protein structure/function; Has not been previously published as pathogenic or benign to our knowledge

Labcorp Genetics (formerly Invitae), Labcorp
Classification: Uncertain significance. Last evaluated: 2022-01-04. Review status: criteria provided, single submitter. Criteria: Invitae Variant Classification Sherloc (09022015). Collection method: clinical testing. Allele origin: germline.
Comment: This sequence change replaces proline, which is neutral and non-polar, with glutamine, which is neutral and polar, at codon 131 of the MGME1 protein (p.Pro131Gln). This variant is present in population databases (rs779833926, gnomAD 0.006%). This variant has not been reported in the literature in individuals affected with MGME1-related conditions. Algorithms developed to predict the effect of missense changes on protein structure and function are either unavailable or do not agree on the potential impact of this missense change (SIFT: "Deleterious"; PolyPhen-2: "Possibly Damaging"; Align-GVGD: "Class C0"). In summary, the available evidence is currently insufficient to determine the role of this variant in disease. Therefore, it has been classified as a Variant of Uncertain Significance.